The following is an entry in ClinVar:

NM_001377.3(DYNC2H1):c.3678G>T (p.Glu1226Asp)

Gene: DYNC2H1 (dynein cytoplasmic 2 heavy chain 1; plus strand). Cytogenetic location: 11q22.3.
Variant type: single nucleotide variant.
Coding change: c.3678G>T on transcript NM_001377.3 (MANE Select); coding-DNA position 3678, G replaced by T.
Protein change: p.Glu1226Asp; replaces glutamic acid 1226 with aspartic acid.
Molecular consequence: missense variant.
Genome position (GRCh38, 1-based): chr11:103,155,435, G>T. VCF-style: chr11-103155435-G-T. GRCh37 (hg19) VCF-style: chr11-103026164-G-T.
Other names: c.3678G>T (NM_001080463.1); c.3678G>T, p.Glu1226Asp (NM_001080463.2); short protein forms E1226D.
Identifiers: ClinVar variation 2168973 (VCV002168973.2), dbSNP rs771034508, ClinGen allele CA6253372.

ClinVar aggregate classification (germline): Uncertain significance. Review status: criteria provided, multiple submitters, no conflicts (2 of 4 stars). 2 submissions from 2 submitters: Uncertain significance (2). Last evaluated 2025-01-24.

Conditions:
Inborn genetic diseases. Identifiers: MedGen C0950123, MeSH D030342.
Jeune thoracic dystrophy. Also called: Jeune syndrome; Infantile thoracic dystrophy; Thoracic pelvic phalangeal dystrophy; Jeune's syndrome; Chondroectodermal dysplasia-like syndrome; Short-rib thoracic dysplasia. Identifiers: Orphanet 474, MedGen C0265275, MONDO:0018770.

Allele frequency attached by ClinVar (database versions not stated): gnomAD 0.00001; TOPMed 0.00002; gnomAD exomes 0.00003; ExAC 0.00005.
gnomAD v4.1: 19 of 1,612,474 alleles (0.0012%); highest among the groups gnomAD compares: Admixed American, 0.032%; no homozygotes.

Submissions (2):

Ambry Genetics
Classification: Uncertain significance for Inborn genetic diseases. Last evaluated: 2025-01-24. Review status: criteria provided, single submitter. Criteria: Ambry Variant Classification Scheme 2023. Collection method: clinical testing. Allele origin: germline.

Labcorp Genetics (formerly Invitae), Labcorp
Classification: Uncertain significance for Jeune thoracic dystrophy. Last evaluated: 2022-08-04. Review status: criteria provided, single submitter. Criteria: Invitae Variant Classification Sherloc (09022015). Collection method: clinical testing. Allele origin: germline.
Comment: This sequence change replaces glutamic acid, which is acidic and polar, with aspartic acid, which is acidic and polar, at codon 1226 of the DYNC2H1 protein (p.Glu1226Asp). This variant is present in population databases (rs771034508, gnomAD 0.04%). This variant has not been reported in the literature in individuals affected with DYNC2H1-related conditions. Advanced modeling of protein sequence and biophysical properties (such as structural, functional, and spatial information, amino acid conservation, physicochemical variation, residue mobility, and thermodynamic stability) performed at Invitae indicates that this missense variant is not expected to disrupt DYNC2H1 protein function. In summary, the available evidence is currently insufficient to determine the role of this variant in disease. Therefore, it has been classified as a Variant of Uncertain Significance.